The following is an entry in ClinVar:

NM_053013.4(ENO3):c.493A>G (p.Met165Val)

Gene: ENO3 (enolase 3; plus strand). Cytogenetic location: 17p13.2.
Variant type: single nucleotide variant.
Coding change: c.493A>G on transcript NM_053013.4 (MANE Select); coding-DNA position 493, A replaced by G.
Protein change: p.Met165Val; replaces methionine 165 with valine.
Molecular consequence: missense variant.
Genome position (GRCh38, 1-based): chr17:4,955,123, A>G. VCF-style: chr17-4955123-A-G. GRCh37 (hg19) VCF-style: chr17-4858418-A-G.
Other names: c.364A>G, p.Met122Val (NM_001193503.2); c.493A>G, p.Met165Val (NM_001374523.1, NM_001976.5); c.520A>G, p.Met174Val (NM_001374524.1); short protein forms M122V, M165V, M174V.
Identifiers: ClinVar variation 855024 (VCV000855024.8), dbSNP rs781694580, ClinGen allele CA8316333.

ClinVar aggregate classification (germline): Uncertain significance. Review status: criteria provided, multiple submitters, no conflicts (2 of 4 stars). 2 submissions from 2 submitters: Uncertain significance (2). Last evaluated 2024-10-29.

Conditions:
Glycogen storage disease due to muscle beta-enolase deficiency (GSD13). Also called: Glycogen Storage Disease Type XIII; ENOLASE 3 DEFICIENCY; ENOLASE-BETA DEFICIENCY; GSD XIII. Identifiers: Orphanet 99849, MedGen C2752027, MONDO:0013046, OMIM 612932.
Inborn genetic diseases. Identifiers: MedGen C0950123, MeSH D030342.

Allele frequency attached by ClinVar (database versions not stated): TOPMed below 0.00001; ExAC 0.00001; gnomAD exomes 0.00001 and 0.00003.

Submissions (2):

Ambry Genetics
Classification: Uncertain significance for Inborn genetic diseases. Last evaluated: 2024-10-29. Review status: criteria provided, single submitter. Criteria: Ambry Variant Classification Scheme 2023. Collection method: clinical testing. Allele origin: germline.

Labcorp Genetics (formerly Invitae), Labcorp
Classification: Uncertain significance for Glycogen storage disease due to muscle beta-enolase deficiency. Last evaluated: 2021-08-27. Review status: criteria provided, single submitter. Criteria: Invitae Variant Classification Sherloc (09022015). Collection method: clinical testing. Allele origin: germline.
Comment: This sequence change replaces methionine with valine at codon 165 of the ENO3 protein (p.Met165Val). The methionine residue is highly conserved and there is a small physicochemical difference between methionine and valine. This variant is present in population databases (rs781694580, ExAC 0.002%). This variant has not been reported in the literature in individuals affected with ENO3-related conditions. Algorithms developed to predict the effect of missense changes on protein structure and function are either unavailable or do not agree on the potential impact of this missense change (SIFT: "Deleterious"; PolyPhen-2: "Probably Damaging"; Align-GVGD: "Class C0"). In summary, the available evidence is currently insufficient to determine the role of this variant in disease. Therefore, it has been classified as a Variant of Uncertain Significance.